The following is an entry in ClinVar:

ClinVar aggregate classification (germline): Uncertain significance (1 of 4 stars; one submission).

Conditions:
Fanconi anemia (FA). Also called: Fanconi's anemia. Identifiers: Orphanet 84, MedGen C0015625, MeSH D005199, MONDO:0019391.

Allele frequency attached by ClinVar (database versions not stated): gnomAD exomes below 0.00001.
gnomAD v4.1: 2 of 1,611,502 alleles (0.00012%); highest among the groups gnomAD compares: Non-Finnish European, 0.00017%; no homozygotes.

Submission:

Labcorp Genetics (formerly Invitae), Labcorp
Classification: Uncertain significance for Fanconi anemia. Last evaluated: 2022-12-25. Review status: criteria provided, single submitter. Criteria: Invitae Variant Classification Sherloc (09022015). Collection method: clinical testing. Allele origin: germline.
Comment: This sequence change replaces alanine, which is neutral and non-polar, with valine, which is neutral and non-polar, at codon 1207 of the FANCA protein (p.Ala1207Val). This variant is not present in population databases (gnomAD no frequency). This variant has not been reported in the literature in individuals affected with FANCA-related conditions. Advanced modeling of protein sequence and biophysical properties (such as structural, functional, and spatial information, amino acid conservation, physicochemical variation, residue mobility, and thermodynamic stability) performed at Invitae indicates that this missense variant is not expected to disrupt FANCA protein function. In summary, the available evidence is currently insufficient to determine the role of this variant in disease. Therefore, it has been classified as a Variant of Uncertain Significance.

NM_000135.4(FANCA):c.3620C>T (p.Ala1207Val)

Gene: FANCA (FA complementation group A; minus strand). Cytogenetic location: 16q24.3.
Variant type: single nucleotide variant.
Coding change: c.3620C>T on transcript NM_000135.4 (MANE Select); coding-DNA position 3620, C replaced by T.
Protein change: p.Ala1207Val; replaces alanine 1207 with valine.
Molecular consequence: missense variant.
Genome position (GRCh38, 1-based): chr16:89,744,965, G>A on the plus strand (C>T on the coding strand, the complement: FANCA is on the minus strand). VCF-style: chr16-89744965-G-A. GRCh37 (hg19) VCF-style: chr16-89811373-G-A.
Other names: c.3620C>T, p.Ala1207Val (NM_001286167.3); short protein forms A1207V.
Identifiers: ClinVar variation 2729146 (VCV002729146.3), dbSNP rs1360159551, ClinGen allele CA397485581.